The following is an entry in ClinVar:

NM_004086.3(COCH):c.56C>A (p.Pro19Gln)

Gene: COCH (cochlin; plus strand). Cytogenetic location: 14q12.
Variant type: single nucleotide variant.
Coding change: c.56C>A on transcript NM_004086.3 (MANE Select); coding-DNA position 56, C replaced by A.
Protein change: p.Pro19Gln; replaces proline 19 with glutamine.
Molecular consequence: missense variant.
Genome position (GRCh38, 1-based): chr14:30,875,077, C>A. VCF-style: chr14-30875077-C-A. GRCh37 (hg19) VCF-style: chr14-31344283-C-A.
Other names: c.56C>A, p.Pro19Gln (NM_001135058.2, NM_001347720.2); short protein forms P19Q.
Identifiers: ClinVar variation 4883003 (VCV004883003.2).

ClinVar aggregate classification (germline): Uncertain significance (1 of 4 stars; one submission).

Conditions:
Autosomal dominant nonsyndromic hearing loss 9. Identifiers: Orphanet 90635, MedGen C1832425, MONDO:0011058, OMIM 601369.

Submission:

Dasa
Classification: Uncertain significance for Autosomal dominant nonsyndromic hearing loss 9. Last evaluated: 2025-11-16. Review status: criteria provided, single submitter. Criteria: DASA Assertion Criteria. Collection method: clinical testing. Allele origin: germline.
Comment: NM_004086.3(COCH):c.56C>A (p.Pro19Gln) is a missense variant that results in the substitution of proline with glutamine. This variant is rare in population databases. Computational prediction algorithms are consistent with a benign effect. The currently available literature and clinical evidence are not sufficient to establish a definitive association between this variant and the reported condition. Therefore, this variant is classified as a variant of uncertain significance.